The following is an entry in ClinVar:

ClinVar aggregate classification (germline): Uncertain significance. Review status: criteria provided, multiple submitters, no conflicts (2 of 4 stars). 2 submissions from 2 submitters: Uncertain significance (2). Last evaluated 2025-12-30.

Conditions:
Gorlin syndrome. Also called: Basal cell nevus syndrome; Nevoid Basal Cell Carcinoma Syndrome. Identifiers: Orphanet 377, MedGen C0004779, MONDO:0007187.
Medulloblastoma (MDB). Also called: Medulloblastoma, somatic; MEDULLOBLASTOMA PREDISPOSITION SYNDROME. Identifiers: Orphanet 616, MedGen C0025149, MeSH D008527, MONDO:0007959, OMIM 155255, HP:0002885.
Hereditary cancer-predisposing syndrome. Also called: Neoplastic Syndromes, Hereditary; Tumor predisposition; Hereditary neoplastic syndrome; Hereditary Cancer Syndrome. Identifiers: Orphanet 140162, MedGen C0027672, MeSH D009386, MONDO:0015356.

Allele frequency attached by ClinVar (database versions not stated): gnomAD exomes below 0.00001.
gnomAD v4.1: 1 of 1,614,218 alleles (0.000062%); highest among the groups gnomAD compares: Non-Finnish European, 0.000085%; no homozygotes.

Submissions (2):

Labcorp Genetics (formerly Invitae), Labcorp
Classification: Uncertain significance for Gorlin syndrome; Medulloblastoma. Last evaluated: 2025-12-30. Review status: criteria provided, single submitter. Criteria: Invitae Variant Classification Sherloc (09022015). Collection method: clinical testing. Allele origin: germline.
Comment: This sequence change replaces glutamic acid, which is acidic and polar, with lysine, which is basic and polar, at codon 127 of the SUFU protein (p.Glu127Lys). This variant is present in population databases (no rsID available, gnomAD 0.0009%). This variant has not been reported in the literature in individuals affected with SUFU-related conditions. ClinVar contains an entry for this variant (Variation ID: 524663). Invitae Evidence Modeling of protein sequence and biophysical properties (such as structural, functional, and spatial information, amino acid conservation, physicochemical variation, residue mobility, and thermodynamic stability) indicates that this missense variant is not expected to disrupt SUFU protein function with a negative predictive value of 80%. In summary, the available evidence is currently insufficient to determine the role of this variant in disease. Therefore, it has been classified as a Variant of Uncertain Significance.

Ambry Genetics
Classification: Uncertain significance for Hereditary cancer-predisposing syndrome. Last evaluated: 2024-03-23. Review status: criteria provided, single submitter. Criteria: Ambry Variant Classification Scheme 2023. Collection method: clinical testing. Allele origin: germline.
Comment: The p.E127K variant (also known as c.379G>A), located in coding exon 3 of the SUFU gene, results from a G to A substitution at nucleotide position 379. The glutamic acid at codon 127 is replaced by lysine, an amino acid with similar properties. This amino acid position is conserved. In addition, this alteration is predicted to be deleterious by in silico analysis. Since supporting evidence is limited at this time, the clinical significance of this alteration remains unclear.

NM_016169.4(SUFU):c.379G>A (p.Glu127Lys)

Gene: SUFU (SUFU negative regulator of hedgehog signaling; plus strand). Cytogenetic location: 10q24.32.
Variant type: single nucleotide variant.
Coding change: c.379G>A on transcript NM_016169.4 (MANE Select); coding-DNA position 379, G replaced by A.
Protein change: p.Glu127Lys; replaces glutamic acid 127 with lysine.
Molecular consequence: missense variant.
Genome position (GRCh38, 1-based): chr10:102,550,031, G>A. VCF-style: chr10-102550031-G-A. GRCh37 (hg19) VCF-style: chr10-104309788-G-A.
Other names: c.379G>A, p.Glu127Lys (NM_001178133.2); short protein forms E127K.
Identifiers: ClinVar variation 524663 (VCV000524663.12), dbSNP rs1280071055, ClinGen allele CA377903316.
Genomic context (GRCh38, chr10:102,550,031, plus strand): 5'-TTTACAGGAACAGATGGACCTAGTGGTTTTGGCTTTGAGTTGACCTTTCGTCTGAAGAGA[G>A]AAACTGGGGAGTCTGCCCCACCAACATGGCCCGCAGAGTTAATGCAGGGCTTGGCACGAT-3'
Protein context (NP_057253.2, residues 117-137): GFELTFRLKR[Glu127Lys]TGESAPPTWP